The following is an entry in ClinVar:

NM_012280.4(FTSJ1):c.579C>T (p.Phe193=)

Gene: FTSJ1 (FtsJ RNA 2'-O-methyltransferase 1; plus strand). Cytogenetic location: Xp11.23.
Variant type: single nucleotide variant.
Coding change: c.579C>T on transcript NM_012280.4 (MANE Select); coding-DNA position 579, C replaced by T.
Protein change: p.Phe193=; no amino-acid change (phenylalanine 193 retained).
Molecular consequence: synonymous variant.
Genome position (GRCh38, 1-based): chrX:48,481,639, C>T. VCF-style: chrX-48481639-C-T. GRCh37 (hg19) VCF-style: chrX-48340027-C-T.
Other names: c.168C>T, p.Phe56= (NM_001282157.2); c.579C>T, p.Phe193= (NM_001441195.1, NM_001441196.1, NM_001441197.1 and 4 more transcripts).
Identifiers: ClinVar variation 4084848 (VCV004084848.8).

ClinVar aggregate classification (germline): Likely benign (1 of 4 stars; one submission).

gnomAD v4.1: 9 of 1,189,866 alleles (0.00076%); highest among the groups gnomAD compares: African/African-American, 0.0035%; no homozygotes.

Submission:

CeGaT Center for Human Genetics Tuebingen
Classification: Likely benign. Last evaluated: 2025-08-01. Review status: criteria provided, single submitter. Criteria: CeGaT Center For Human Genetics Tuebingen Variant Classification Criteria Version 2. Collection method: clinical testing. Allele origin: germline. Affected: yes. Observed: 1 variant allele.
Comment: FTSJ1: BP4, BP7